The following is an entry in ClinVar:

NM_000393.5(COL5A2):c.2812G>A (p.Glu938Lys)

Gene: COL5A2 (collagen type V alpha 2 chain; minus strand). Cytogenetic location: 2q32.2.
Variant type: single nucleotide variant.
Coding change: c.2812G>A on transcript NM_000393.5 (MANE Select); coding-DNA position 2812, G replaced by A.
Protein change: p.Glu938Lys; replaces glutamic acid 938 with lysine.
Molecular consequence: missense variant.
Genome position (GRCh38, 1-based): chr2:189,051,439, C>T on the plus strand (G>A on the coding strand, the complement: COL5A2 is on the minus strand). VCF-style: chr2-189051439-C-T. GRCh37 (hg19) VCF-style: chr2-189916165-C-T.
Other names: short protein forms E938K.
Identifiers: ClinVar variation 1393205 (VCV001393205.6), dbSNP rs2105559330, ClinGen allele CA349868254.

ClinVar aggregate classification (germline): Uncertain significance (1 of 4 stars; one submission).

Conditions:
Ehlers-Danlos syndrome, classic type, 1 (EDSCL1). Also called: EHLERS-DANLOS SYNDROME, GRAVIS TYPE; EHLERS-DANLOS SYNDROME, SEVERE CLASSIC TYPE; Ehlers-Danlos syndrome, type 1; Ehlers-Danlos Syndrome, Classic Type, COL5A1-Related; EDS I. Identifiers: MedGen C0268335, MONDO:0019567, OMIM 130000.

Submission:

Labcorp Genetics (formerly Invitae), Labcorp
Classification: Uncertain significance for Ehlers-Danlos syndrome, classic type, 1. Last evaluated: 2021-11-14. Review status: criteria provided, single submitter. Criteria: Invitae Variant Classification Sherloc (09022015). Collection method: clinical testing. Allele origin: germline.
Comment: This sequence change replaces glutamic acid, which is acidic and polar, with lysine, which is basic and polar, at codon 938 of the COL5A2 protein (p.Glu938Lys). This variant is not present in population databases (gnomAD no frequency). This variant has not been reported in the literature in individuals affected with COL5A2-related conditions. Advanced modeling of protein sequence and biophysical properties (such as structural, functional, and spatial information, amino acid conservation, physicochemical variation, residue mobility, and thermodynamic stability) performed at Invitae indicates that this missense variant is not expected to disrupt COL5A2 protein function. In summary, the available evidence is currently insufficient to determine the role of this variant in disease. Therefore, it has been classified as a Variant of Uncertain Significance.